The following is an entry in ClinVar:

NM_020533.3(MCOLN1):c.1690C>G (p.Leu564Val)

Gene: MCOLN1 (mucolipin TRP cation channel 1; plus strand). Cytogenetic location: 19p13.2.
Variant type: single nucleotide variant.
Coding change: c.1690C>G on transcript NM_020533.3 (MANE Select); coding-DNA position 1690, C replaced by G.
Protein change: p.Leu564Val; replaces leucine 564 with valine.
Molecular consequence: missense variant.
Genome position (GRCh38, 1-based): chr19:7,533,637, C>G. VCF-style: chr19-7533637-C-G. GRCh37 (hg19) VCF-style: chr19-7598523-C-G.
Other names: short protein forms L564V.
Identifiers: ClinVar variation 1432667 (VCV001432667.5), dbSNP rs764808010, ClinGen allele CA9139221.

ClinVar aggregate classification (germline): Uncertain significance (1 of 4 stars; one submission).

Conditions:
Mucolipidosis type IV (ML4). Also called: ML IV. Identifiers: Orphanet 578, MedGen C0238286, MONDO:0009653, OMIM 252650.

Allele frequency attached by ClinVar (database versions not stated): gnomAD exomes 0.00001; ExAC 0.00002.
gnomAD v4.1: 11 of 1,613,054 alleles (0.00068%); highest among the groups gnomAD compares: South Asian, 0.0088%; no homozygotes.

Submission:

Labcorp Genetics (formerly Invitae), Labcorp
Classification: Uncertain significance for Mucolipidosis type IV. Last evaluated: 2022-02-01. Review status: criteria provided, single submitter. Criteria: Invitae Variant Classification Sherloc (09022015). Collection method: clinical testing. Allele origin: germline.
Comment: This sequence change replaces leucine, which is neutral and non-polar, with valine, which is neutral and non-polar, at codon 564 of the MCOLN1 protein (p.Leu564Val). This variant is present in population databases (rs764808010, gnomAD 0.01%). This variant has not been reported in the literature in individuals affected with MCOLN1-related conditions. Algorithms developed to predict the effect of missense changes on protein structure and function (SIFT, PolyPhen-2, Align-GVGD) all suggest that this variant is likely to be tolerated. In summary, the available evidence is currently insufficient to determine the role of this variant in disease. Therefore, it has been classified as a Variant of Uncertain Significance.